The following is an entry in ClinVar:

ClinVar aggregate classification (germline): Uncertain significance. Review status: reviewed by expert panel (3 of 4 stars). 2 submissions from 2 submitters: Uncertain significance (1). 1 of the submissions does not count toward it. Last evaluated 2024-01-22.

Conditions:
Mitochondrial disease. Also called: Mitochondrial disorder; Mitochondrial disorders. Identifiers: Orphanet 68380, MedGen C0751651, MeSH D028361, MONDO:0044970.
Mitochondrial complex IV deficiency, nuclear type 1 (MC4DN1). Also called: COX DEFICIENCY; Mitochondrial complex IV deficiency; Complex 4 mitochondrial respiratory chain deficiency; Deficiency of mitochondrial respiratory chain complex4; Complex IV deficiency. Identifiers: MedGen C5435656, MONDO:0700250, OMIM 220110. Disease mechanism: loss of function.

Submissions (2):

ClinGen Mitochondrial Disease Nuclear and Mitochondrial  Variant Curation Expert Panel, ClinGen
Classification: Uncertain significance for Mitochondrial disease. Last evaluated: 2024-01-22. Review status: reviewed by expert panel. Criteria: clingen mito disease acmg specifications v1-1. Collection method: curation. Allele origin: germline. Inheritance: Mitochondrial inheritance.
Comment: Complex IV deficiency was noted in skeletal and cardiac muscle. The variant was present at 20% heteroplasmy in skeletal muscle, 17% in cardiac muscle, 14% in lung tissue, 14% in liver, and 11.5% in skin. Of note, nuclear genetic etiologies were not evaluated in this case. This variant causes a premature stop in the MT-CO2 gene resulting in truncation of 33% of the protein (PVS1_strong). This variant is absent in in the MITOMAP GenBank dataset, gnomAD v3.1.2, and the Helix dataset (PM2_supporting). There are no in silico predictors for this type of variant in mitochondrial DNA. There are no cybrids, single fiber studies, or other functional assays reported on this variant. This variant meets criteria to be classified as uncertain significance for primary mitochondrial disease. After extensive discussion, this Expert Panel agreed with this classification given low heteroplasmy levels in the only reported case with a severe phenotype, limited ability of technology used at the time to accurately report heteroplasmy, and because other genetic etiologies were not excluded in the only case reported. This classification was approved by the NICHD/NINDS U24 ClinGen Mitochondrial Disease Variant Curation Expert Panel on January 22, 2024. Mitochondrial DNA-specific ACMG/AMP criteria applied (PMID: 32906214): PVS1_strong, PM2_supporting.

OMIM
Classification: Pathogenic for CYTOCHROME c OXIDASE DEFICIENCY. Last evaluated: 2001-07-22. Review status: no assertion criteria provided. Collection method: literature only. Allele origin: germline. Not counted in ClinVar's aggregate classification.

Literature cited by the submitters: PubMed 11471180 (cited by OMIM).

NC_012920.1(MT-CO2):m.8043_8044del

Gene: MT-CO2 (mitochondrially encoded cytochrome c oxidase II; plus strand).
Variant type: Deletion.
Genome position: chrM-8041-AAT-A.
Identifiers: ClinVar variation 9661 (VCV000009661.2), dbSNP rs199474828, ClinGen allele CA120606.